The following is an entry in ClinVar:

ClinVar aggregate classification (germline): Uncertain significance (1 of 4 stars; one submission).

Conditions:
Intellectual developmental disorder, X-linked, syndromic, Billuart type. Also called: MENTAL RETARDATION, X-LINKED 60; X-linked intellectual disability-cerebellar hypoplasia syndrome. Identifiers: Orphanet 137831, MedGen C1845366, MONDO:0010337, OMIM 300486.

Submission:

Institute of Human Genetics, University of Leipzig Medical Center
Classification: Uncertain significance for Intellectual developmental disorder, X-linked, syndromic, Billuart type. Last evaluated: 2022-11-24. Review status: criteria provided, single submitter. Criteria: ACMG Guidelines, 2015. Collection method: clinical testing. Allele origin: unknown. Affected: yes.
Comment: This variant was identified as hemizygous._x000D_ Criteria applied: PM1, PM2_SUP

NM_002547.3(OPHN1):c.1579A>G (p.Ile527Val)

Gene: OPHN1 (oligophrenin 1; minus strand). Cytogenetic location: Xq12.
Variant type: single nucleotide variant.
Coding change: c.1579A>G on transcript NM_002547.3 (MANE Select); coding-DNA position 1579, A replaced by G.
Protein change: p.Ile527Val; replaces isoleucine 527 with valine.
Molecular consequence: missense variant.
Genome position (GRCh38, 1-based): chrX:68,096,977, T>C on the plus strand (A>G on the coding strand, the complement: OPHN1 is on the minus strand). VCF-style: chrX-68096977-T-C. GRCh37 (hg19) VCF-style: chrX-67316819-T-C.
Other names: short protein forms I527V.
Identifiers: ClinVar variation 1804135 (VCV001804135.1), dbSNP rs2519675846, ClinGen allele CA413430932.
Genomic context (GRCh38, chrX:68,096,977, plus strand): 5'-TGATGTTCATCATGGCGGCCACAGTGTCCTCCTGAGCTCTCATCAGGGTGGGCCCAAAGA[T>C]TACTCCCATGTTGGAGGGGGTCATAAGATTCTCTTTGCTGTGCTCACACACACTGCCAGA-3'
Protein context (NP_002538.1, residues 517-537): NLMTPSNMGV[Ile527Val]FGPTLMRAQE